The following is an entry in ClinVar:

ClinVar aggregate classification (germline): Uncertain significance. Review status: criteria provided, multiple submitters, no conflicts (2 of 4 stars). 2 submissions from 2 submitters: Uncertain significance (2). Last evaluated 2024-10-22.

Allele frequency attached by ClinVar (database versions not stated): gnomAD exomes below 0.00001; TOPMed 0.00002; ESP Exome Variant Server 0.00008.
gnomAD v4.1: 1 of 1,589,350 alleles (0.000063%); highest among the groups gnomAD compares: African/African-American, 0.0014%; no homozygotes.

Submissions (2):

Labcorp Genetics (formerly Invitae), Labcorp
Classification: Uncertain significance. Last evaluated: 2024-10-22. Review status: criteria provided, single submitter. Criteria: Invitae Variant Classification Sherloc (09022015). Collection method: clinical testing. Allele origin: germline.
Comment: This sequence change replaces glutamic acid, which is acidic and polar, with aspartic acid, which is acidic and polar, at codon 616 of the CCDC88A protein (p.Glu616Asp). This variant is present in population databases (rs372600859, gnomAD 0.007%). This variant has not been reported in the literature in individuals affected with CCDC88A-related conditions. ClinVar contains an entry for this variant (Variation ID: 1965416). An algorithm developed to predict the effect of missense changes on protein structure and function (PolyPhen-2) suggests that this variant¬†is likely to be tolerated. In summary, the available evidence is currently insufficient to determine the role of this variant in disease. Therefore, it has been classified as a Variant of Uncertain Significance.

Ambry Genetics
Classification: Uncertain significance. Last evaluated: 2024-08-27. Review status: criteria provided, single submitter. Criteria: Ambry Variant Classification Scheme 2023. Collection method: clinical testing. Allele origin: germline.

NM_001365480.1(CCDC88A):c.1848A>C (p.Glu616Asp)

Gene: CCDC88A (coiled-coil domain containing 88A; minus strand). Cytogenetic location: 2p16.1.
Variant type: single nucleotide variant.
Coding change: c.1848A>C on transcript NM_001365480.1 (MANE Select); coding-DNA position 1848, A replaced by C.
Protein change: p.Glu616Asp; replaces glutamic acid 616 with aspartic acid.
Molecular consequence: missense variant.
Genome position (GRCh38, 1-based): chr2:55,334,973, T>G on the plus strand (A>C on the coding strand, the complement: CCDC88A is on the minus strand). VCF-style: chr2-55334973-T-G. GRCh37 (hg19) VCF-style: chr2-55562109-T-G.
Other names: c.1848A>C, p.Glu616Asp (NM_001135597.2, NM_001254943.2, NM_018084.5); c.1848A>C (NM_001135597.1); short protein forms E616D.
Identifiers: ClinVar variation 1965416 (VCV001965416.4), dbSNP rs372600859, ClinGen allele CA47605180.
Genomic context (GRCh38, chr2:55,334,973, plus strand): 5'-ATGATGCAATTCATTTTCAAGTTCTTCAGCTCGTTCTCCTTTTTCTTTATAATGTTCCAA[T>G]TCTTTTTTAATTTGTCTTTTTTCAAATTCAATCTTGCTTAGCTTGCTACTTGTTTCTTTG-3'
Protein context (NP_001352409.1, residues 606-626): IEFEKRQIKK[Glu616Asp]LEHYKEKGER